The following is an entry in ClinVar:

ClinVar aggregate classification (germline): Uncertain significance (1 of 4 stars; one submission).

Allele frequency attached by ClinVar (database versions not stated): gnomAD exomes below 0.00001; TOPMed 0.00001.
gnomAD v4.1: 6 of 1,496,172 alleles (0.0004%); highest among the groups gnomAD compares: Non-Finnish European, 0.00053%; no homozygotes.

Submission:

Labcorp Genetics (formerly Invitae), Labcorp
Classification: Uncertain significance. Last evaluated: 2023-08-14. Review status: criteria provided, single submitter. Criteria: Invitae Variant Classification Sherloc (09022015). Collection method: clinical testing. Allele origin: germline.
Comment: In summary, the available evidence is currently insufficient to determine the role of this variant in disease. Therefore, it has been classified as a Variant of Uncertain Significance. An algorithm developed to predict the effect of missense changes on protein structure and function (PolyPhen-2) suggests that this variant is likely to be disruptive. This variant has not been reported in the literature in individuals affected with ATP5D-related conditions. This variant is not present in population databases (gnomAD no frequency). This sequence change replaces serine, which is neutral and polar, with proline, which is neutral and non-polar, at codon 33 of the ATP5D protein (p.Ser33Pro).

NM_001687.5(ATP5F1D):c.97T>C (p.Ser33Pro)

Genes: ATP5F1D (ATP synthase F1 subunit delta; plus strand), LOC130062903 (ATAC-STARR-seq lymphoblastoid silent region 9673; plus strand). Cytogenetic location: 19p13.3.
Variant type: single nucleotide variant.
Coding change: c.97T>C on transcript NM_001687.5 (MANE Select); coding-DNA position 97, T replaced by C.
Protein change: p.Ser33Pro; replaces serine 33 with proline.
Molecular consequence: missense variant.
Genome position (GRCh38, 1-based): chr19:1,241,947, T>C. VCF-style: chr19-1241947-T-C. GRCh37 (hg19) VCF-style: chr19-1241946-T-C.
Other names: c.97T>C, p.Ser33Pro (NM_001001975.2); short protein forms S33P.
Identifiers: ClinVar variation 2997996 (VCV002997996.3), dbSNP rs1466010398, ClinGen allele CA402979127.
Genomic context (GRCh38, chr19:1,241,947, plus strand): 5'-GGCCGCCTCGTCCGCCACGCCCGTGCCTATGCCGAGGCCGCCGCCGCCCCGGCTGCCGCC[T>C]CTGGCCCCAACCAGATGTCCTTCACCTTCGCCTCTCCCACGCAGGTTCGGGCGCTGCGGG-3'
Protein context (NP_001678.1, residues 23-43): AEAAAAPAAA[Ser33Pro]GPNQMSFTFA